The following is an entry in ClinVar:

NM_020911.2(PLXNA4):c.1372-87009C>T

Gene: PLXNA4 (plexin A4; minus strand). Cytogenetic location: 7q32.3.
Variant type: single nucleotide variant.
Coding change: c.1372-87009C>T on transcript NM_020911.2 (MANE Select); 87009 bases into the intron before coding-DNA position 1372, C replaced by T.
Molecular consequence: intron variant. On other transcripts: missense variant (1).
Genome position (GRCh38, 1-based): chr7:132,385,231, G>A on the plus strand (C>T on the coding strand, the complement: PLXNA4 is on the minus strand). VCF-style: chr7-132385231-G-A. GRCh37 (hg19) VCF-style: chr7-132069990-G-A.
Other names: c.1436C>T, p.Thr479Ile (NM_001105543.2); c.1372-87009C>T (NM_001393897.1); short protein forms T479I.
Identifiers: ClinVar variation 4983623 (VCV004983623.1).

ClinVar aggregate classification (germline): Uncertain significance (1 of 4 stars; one submission).

Conditions:
PLXNA4-related disorder. Also called: PLXNA4-related condition.

gnomAD v4.1: 6 of 1,613,980 alleles (0.00037%); highest among the groups gnomAD compares: Non-Finnish European, 0.000085%; no homozygotes.

Submission:

PreventionGenetics, part of Exact Sciences
Classification: Uncertain significance for PLXNA4-related condition. Last evaluated: 2024-10-16. Review status: criteria provided, single submitter. Criteria: ACMG Guidelines, 2015. Collection method: clinical testing. Allele origin: germline.
Comment: The PLXNA4 c.1436C>T variant is predicted to result in the amino acid substitution p.Thr479Ile. To our knowledge, this variant has not been reported in the literature. This variant is reported in 0.030% of alleles in individuals of Ashkenazi Jewish descent in gnomAD. At this time, the clinical significance of this variant is uncertain due to the absence of conclusive functional and genetic evidence.